The following is an entry in ClinVar:

ClinVar aggregate classification (germline): Conflicting classifications of pathogenicity. Review status: criteria provided, conflicting classifications (1 of 4 stars). 2 submissions from 2 submitters: Likely pathogenic (1); Uncertain significance (1). Last evaluated 2026-01-05.

Conditions:
Charcot-Marie-Tooth disease type 2. Also called: Charcot-Marie-Tooth type 2. Identifiers: Orphanet 64746, MedGen C0270914, MONDO:0018993.

Allele frequency attached by ClinVar (database versions not stated): TOPMed below 0.00001.

Submissions (2):

Labcorp Genetics (formerly Invitae), Labcorp
Classification: Likely pathogenic for Charcot-Marie-Tooth disease type 2. Last evaluated: 2026-01-05. Review status: criteria provided, single submitter. Criteria: Invitae Variant Classification Sherloc (09022015). Collection method: clinical testing. Allele origin: germline.
Comment: This sequence change replaces glutamic acid, which is acidic and polar, with alanine, which is neutral and non-polar, at codon 347 of the LMNA protein (p.Glu347Ala). This variant is not present in population databases (gnomAD no frequency). This variant has not been reported in the literature in individuals affected with LMNA-related conditions. ClinVar contains an entry for this variant (Variation ID: 1063701). Invitae Evidence Modeling of protein sequence and biophysical properties (such as structural, functional, and spatial information, amino acid conservation, physicochemical variation, residue mobility, and thermodynamic stability) indicates that this missense variant is expected to disrupt LMNA protein function with a positive predictive value of 95%. This variant disrupts the p.Glu347 amino acid residue in LMNA. Other variant(s) that disrupt this residue have been determined to be pathogenic (PMID: 14684700, 17377071, 22326558, 25656816, 31383942). This suggests that this residue is clinically significant, and that variants that disrupt this residue are likely to be disease-causing. In summary, the currently available evidence indicates that the variant is pathogenic, but additional data are needed to prove that conclusively. Therefore, this variant has been classified as Likely Pathogenic.

Blueprint Genetics
Classification: Uncertain significance. Last evaluated: 2024-08-21. Review status: criteria provided, single submitter. Criteria: ACMG Guidelines, 2015. Collection method: clinical testing. Allele origin: germline.

Literature cited by the submitters: PubMed 14684700 (cited by Labcorp Genetics (formerly Invitae), Labcorp); PubMed 17377071 (cited by Labcorp Genetics (formerly Invitae), Labcorp); PubMed 22326558 (cited by Labcorp Genetics (formerly Invitae), Labcorp); PubMed 25656816 (cited by Labcorp Genetics (formerly Invitae), Labcorp); PubMed 31383942 (cited by Labcorp Genetics (formerly Invitae), Labcorp).

NM_170707.4(LMNA):c.1040A>C (p.Glu347Ala)

Gene: LMNA (lamin A/C; plus strand). Cytogenetic location: 1q22.
Variant type: single nucleotide variant.
Coding change: c.1040A>C on transcript NM_170707.4 (MANE Select); coding-DNA position 1040, A replaced by C.
Protein change: p.Glu347Ala; replaces glutamic acid 347 with alanine.
Molecular consequence: missense variant.
Genome position (GRCh38, 1-based): chr1:156,136,004, A>C. VCF-style: chr1-156136004-A-C. GRCh37 (hg19) VCF-style: chr1-156105795-A-C.
Other names: c.704A>C, p.Glu235Ala (NM_001257374.3); c.797A>C, p.Glu266Ala (NM_001282624.2); c.1040A>C, p.Glu347Ala (NM_001282625.2, NM_001282626.2, NM_005572.4 and 1 more transcripts); short protein forms E235A, E266A, E347A.
Identifiers: ClinVar variation 1063701 (VCV001063701.10), dbSNP rs1449688220, ClinGen allele CA342820250.
Genomic context (GRCh38, chr1:156,136,004, plus strand): 5'-TGGCCCGTGAGCGGGACACCAGCCGGCGGCTGCTGGCGGAAAAGGAGCGGGAGATGGCCG[A>C]GATGCGGGCAAGGATGCAGCAGCAGCTGGACGAGTACCAGGAGCTTCTGGACATCAAGCT-3'
Protein context (NP_733821.1, residues 337-357): LLAEKEREMA[Glu347Ala]MRARMQQQLD